The following is an entry in ClinVar:

NM_024408.4(NOTCH2):c.6052G>T (p.Ala2018Ser)

Gene: NOTCH2 (notch receptor 2; minus strand). Cytogenetic location: 1p12.
Variant type: single nucleotide variant.
Coding change: c.6052G>T on transcript NM_024408.4 (MANE Select); coding-DNA position 6052, G replaced by T.
Protein change: p.Ala2018Ser; replaces alanine 2018 with serine.
Molecular consequence: missense variant.
Genome position (GRCh38, 1-based): chr1:119,916,670, C>A on the plus strand (G>T on the coding strand, the complement: NOTCH2 is on the minus strand). VCF-style: chr1-119916670-C-A. GRCh37 (hg19) VCF-style: chr1-120459293-C-A.
Other names: short protein forms A2018S.
Identifiers: ClinVar variation 289806 (VCV000289806.9), dbSNP rs886044278, ClinGen allele CA10606563.

ClinVar aggregate classification (germline): Uncertain significance. Review status: criteria provided, multiple submitters, no conflicts (2 of 4 stars). 3 submissions from 3 submitters: Uncertain significance (3). Last evaluated 2024-04-04.

Conditions:
Alagille syndrome due to a NOTCH2 point mutation. Also called: Alagille syndrome 2. Identifiers: Orphanet 261629, Orphanet 52, MedGen C1857761, MONDO:0012439, OMIM 610205.
Hajdu-Cheney syndrome (HJCYS). Also called: ACROOSTEOLYSIS WITH OSTEOPOROSIS AND CHANGES IN SKULL AND MANDIBLE; Acroosteolysis dominant type; SERPENTINE FIBULA-POLYCYSTIC KIDNEY SYNDROME. Identifiers: Orphanet 955, MedGen C0917715, MONDO:0007057, OMIM 102500.

Allele frequency attached by ClinVar (database versions not stated): gnomAD exomes below 0.00001; gnomAD 0.00001; TOPMed 0.00001.
gnomAD v4.1: 7 of 1,614,056 alleles (0.00043%); highest among the groups gnomAD compares: African/African-American, 0.0093%; no homozygotes.

Submissions (3):

Fulgent Genetics
Classification: Uncertain significance for Hajdu-Cheney syndrome; Alagille syndrome due to a NOTCH2 point mutation. Last evaluated: 2024-04-04. Review status: criteria provided, single submitter. Criteria: ACMG Guidelines, 2015. Collection method: clinical testing. Allele origin: germline.

Labcorp Genetics (formerly Invitae), Labcorp
Classification: Uncertain significance for Hajdu-Cheney syndrome. Last evaluated: 2024-03-20. Review status: criteria provided, single submitter. Criteria: Invitae Variant Classification Sherloc (09022015). Collection method: clinical testing. Allele origin: germline.
Comment: This sequence change replaces alanine, which is neutral and non-polar, with serine, which is neutral and polar, at codon 2018 of the NOTCH2 protein (p.Ala2018Ser). This variant is present in population databases (no rsID available, gnomAD 0.008%). This variant has not been reported in the literature in individuals affected with NOTCH2-related conditions. ClinVar contains an entry for this variant (Variation ID: 289806). Advanced modeling of protein sequence and biophysical properties (such as structural, functional, and spatial information, amino acid conservation, physicochemical variation, residue mobility, and thermodynamic stability) performed at Invitae indicates that this missense variant is not expected to disrupt NOTCH2 protein function with a negative predictive value of 80%. In summary, the available evidence is currently insufficient to determine the role of this variant in disease. Therefore, it has been classified as a Variant of Uncertain Significance.

Eurofins Ntd Llc (ga)
Classification: Uncertain significance. Last evaluated: 2016-07-25. Review status: criteria provided, single submitter. Criteria: EGL Classification Definitions 2015. Collection method: clinical testing. Allele origin: germline. Observed: 1 variant allele, 1 heterozygote.